The following is an entry in ClinVar:

NM_001364905.1(LRBA):c.4306T>C (p.Ser1436Pro)

Gene: LRBA (LPS responsive beige-like anchor protein; minus strand). Cytogenetic location: 4q31.3.
Variant type: single nucleotide variant.
Coding change: c.4306T>C on transcript NM_001364905.1 (MANE Select); coding-DNA position 4306, T replaced by C.
Protein change: p.Ser1436Pro; replaces serine 1436 with proline.
Molecular consequence: missense variant.
Genome position (GRCh38, 1-based): chr4:150,848,851, A>G on the plus strand (T>C on the coding strand, the complement: LRBA is on the minus strand). VCF-style: chr4-150848851-A-G. GRCh37 (hg19) VCF-style: chr4-151770003-A-G.
Other names: c.4306T>C, p.Ser1436Pro (NM_001199282.3, NM_001367550.1, NM_006726.5); short protein forms S1436P.
Identifiers: ClinVar variation 2017394 (VCV002017394.2), dbSNP rs1281979240, ClinGen allele CA358452742.

ClinVar aggregate classification (germline): Uncertain significance (1 of 4 stars; one submission).

Conditions:
Combined immunodeficiency due to LRBA deficiency. Also called: Common variable immunodeficiency 8, with autoimmunity. Identifiers: Orphanet 445018, MedGen C3553512, MONDO:0013863, OMIM 614700.

Allele frequency attached by ClinVar (database versions not stated): gnomAD exomes 0.00001.
gnomAD v4.1: 11 of 1,610,906 alleles (0.00068%); highest among the groups gnomAD compares: Non-Finnish European, 0.00093%; no homozygotes.

Submission:

Labcorp Genetics (formerly Invitae), Labcorp
Classification: Uncertain significance for Combined immunodeficiency due to LRBA deficiency. Last evaluated: 2022-07-29. Review status: criteria provided, single submitter. Criteria: Invitae Variant Classification Sherloc (09022015). Collection method: clinical testing. Allele origin: germline.
Comment: This sequence change replaces serine, which is neutral and polar, with proline, which is neutral and non-polar, at codon 1436 of the LRBA protein (p.Ser1436Pro). This variant is present in population databases (no rsID available, gnomAD 0.0009%). This variant has not been reported in the literature in individuals affected with LRBA-related conditions. Algorithms developed to predict the effect of missense changes on protein structure and function are either unavailable or do not agree on the potential impact of this missense change (SIFT: "Tolerated"; PolyPhen-2: "Probably Damaging"; Align-GVGD: "Class C0"). In summary, the available evidence is currently insufficient to determine the role of this variant in disease. Therefore, it has been classified as a Variant of Uncertain Significance.